The following is an entry in ClinVar:

ClinVar aggregate classification (germline): Uncertain significance (1 of 4 stars; one submission).

Allele frequency attached by ClinVar (database versions not stated): gnomAD exomes below 0.00001.
gnomAD v4.1: 2 of 1,607,380 alleles (0.00012%); highest among the groups gnomAD compares: Admixed American, 0.0017%; no homozygotes.

Submission:

Labcorp Genetics (formerly Invitae), Labcorp
Classification: Uncertain significance. Last evaluated: 2022-09-23. Review status: criteria provided, single submitter. Criteria: Invitae Variant Classification Sherloc (09022015). Collection method: clinical testing. Allele origin: germline.
Comment: This sequence change creates a premature translational stop signal (p.Glu2202*) in the HMCN1 gene. It is expected to result in an absent or disrupted protein product. However, the current clinical and genetic evidence is not sufficient to establish whether loss-of-function variants in HMCN1 cause disease. This variant is present in population databases (no rsID available, gnomAD 0.003%). This variant has not been reported in the literature in individuals affected with HMCN1-related conditions. In summary, the available evidence is currently insufficient to determine the role of this variant in disease. Therefore, it has been classified as a Variant of Uncertain Significance.

NM_031935.3(HMCN1):c.6604G>T (p.Glu2202Ter)

Gene: HMCN1 (hemicentin 1; plus strand). Cytogenetic location: 1q31.1.
Variant type: single nucleotide variant.
Coding change: c.6604G>T on transcript NM_031935.3 (MANE Select); coding-DNA position 6604, G replaced by T.
Protein change: p.Glu2202Ter; replaces glutamic acid 2202 with a stop codon.
Molecular consequence: nonsense.
Genome position (GRCh38, 1-based): chr1:186,052,978, G>T. VCF-style: chr1-186052978-G-T. GRCh37 (hg19) VCF-style: chr1-186022110-G-T.
Other names: short protein forms E2202*.
Identifiers: ClinVar variation 2029208 (VCV002029208.4), dbSNP rs1386632359, ClinGen allele CA343900953.